The following is an entry in ClinVar:

ClinVar aggregate classification (germline): Uncertain significance (1 of 4 stars; one submission).

Submission:

Labcorp Genetics (formerly Invitae), Labcorp
Classification: Uncertain significance. Last evaluated: 2022-08-19. Review status: criteria provided, single submitter. Criteria: Invitae Variant Classification Sherloc (09022015). Collection method: clinical testing. Allele origin: germline.
Comment: This sequence change replaces arginine, which is basic and polar, with threonine, which is neutral and polar, at codon 1287 of the ERBIN protein (p.Arg1287Thr). This variant is not present in population databases (gnomAD no frequency). This variant has not been reported in the literature in individuals affected with ERBIN-related conditions. Algorithms developed to predict the effect of missense changes on protein structure and function are either unavailable or do not agree on the potential impact of this missense change (SIFT: "Deleterious"; PolyPhen-2: "Possibly Damaging"; Align-GVGD: "Class C0"). In summary, the available evidence is currently insufficient to determine the role of this variant in disease. Therefore, it has been classified as a Variant of Uncertain Significance.

NM_001253697.2(ERBIN):c.3860G>C (p.Arg1287Thr)

Gene: ERBIN (erbb2 interacting protein; plus strand). Cytogenetic location: 5q12.3.
Variant type: single nucleotide variant.
Coding change: c.3860G>C on transcript NM_001253697.2 (MANE Select); coding-DNA position 3860, G replaced by C.
Protein change: p.Arg1287Thr; replaces arginine 1287 with threonine.
Molecular consequence: missense variant. On other transcripts: intron variant (1).
Genome position (GRCh38, 1-based): chr5:66,075,127, G>C. VCF-style: chr5-66075127-G-C. GRCh37 (hg19) VCF-style: chr5-65370955-G-C.
Other names: c.3737G>C, p.Arg1246Thr (NM_001253698.2, NM_018695.4); c.3881G>C, p.Arg1294Thr (NM_001253699.2); c.3725G>C, p.Arg1242Thr (NM_001253701.2); c.3634-1189G>C (NM_001006600.3); short protein forms R1242T, R1246T, R1287T, R1294T.
Identifiers: ClinVar variation 1716794 (VCV001716794.5), dbSNP rs2546885094, ClinGen allele CA359871123.